The following is an entry in ClinVar:

ClinVar aggregate classification (germline): Likely benign. Review status: criteria provided, multiple submitters, no conflicts (2 of 4 stars). 3 submissions from 3 submitters: Likely benign (3). Last evaluated 2025-03-11.

Conditions:
Breast-ovarian cancer, familial, susceptibility to, 4. Identifiers: Orphanet 145, MedGen C3280345, MONDO:0013669, OMIM 614291.
Hereditary cancer-predisposing syndrome. Also called: Hereditary Cancer Syndrome; Hereditary neoplastic syndrome; Neoplastic Syndromes, Hereditary; Tumor predisposition. Identifiers: Orphanet 140162, MedGen C0027672, MeSH D009386, MONDO:0015356.

Submissions (3):

Labcorp Genetics (formerly Invitae), Labcorp
Classification: Likely benign for Breast-ovarian cancer, familial, susceptibility to, 4. Last evaluated: 2025-03-11. Review status: criteria provided, single submitter. Criteria: Invitae Variant Classification Sherloc (09022015). Collection method: clinical testing. Allele origin: germline.

Ambry Genetics
Classification: Likely benign for Hereditary cancer-predisposing syndrome. Last evaluated: 2025-02-25. Review status: criteria provided, single submitter. Criteria: Ambry Variant Classification Scheme 2023. Collection method: clinical testing. Allele origin: germline.

GeneDx
Classification: Likely benign. Last evaluated: 2016-10-24. Review status: criteria provided, single submitter. Criteria: GeneDx Variant Classification (06012015). Collection method: clinical testing. Allele origin: germline. Affected: yes.
Comment: This variant is considered likely benign or benign based on one or more of the following criteria: it is a conservative change, it occurs at a poorly conserved position in the protein, it is predicted to be benign by multiple in silico algorithms, and/or has population frequency not consistent with disease.

NM_002878.4(RAD51D):c.264-4T>C

Genes: RAD51L3-RFFL (RAD51L3-RFFL readthrough; minus strand), RAD51D (RAD51 paralog D; minus strand). Cytogenetic location: 17q12.
Variant type: single nucleotide variant.
Coding change: c.264-4T>C on transcript NM_002878.4 (MANE Select); 4 bases into the intron before coding-DNA position 264, T replaced by C.
Molecular consequence: intron variant.
Genome position (GRCh38, 1-based): chr17:35,107,451, A>G on the plus strand (T>C on the coding strand, the complement: RAD51D is on the minus strand). VCF-style: chr17-35107451-A-G. GRCh37 (hg19) VCF-style: chr17-33434470-A-G.
Other names: c.324-4T>C (NM_001142571.2); c.145-970T>C (NM_133629.3).
Identifiers: ClinVar variation 390471 (VCV000390471.3), dbSNP rs1057523781, ClinGen allele CA16607614.
Genomic context (GRCh38, chr17:35,107,451, plus strand): 5'-CCTACAATTTCAGTCACTTCTCCAGTATAGAGACCAGCATCAAGCAGTTTATCAAGACTG[A>G]TGGCAGAAGAGAAGAAAATCAACACAAGAGGTTAGGAGGAAGACAGGGGAAAAGGTACCA-3'